The following is an entry in ClinVar:

ClinVar aggregate classification (germline): Uncertain significance (1 of 4 stars; one submission).

Submission:

Labcorp Genetics (formerly Invitae), Labcorp
Classification: Uncertain significance. Last evaluated: 2022-07-23. Review status: criteria provided, single submitter. Criteria: Invitae Variant Classification Sherloc (09022015). Collection method: clinical testing. Allele origin: germline.
Comment: This sequence change replaces leucine, which is neutral and non-polar, with valine, which is neutral and non-polar, at codon 160 of the MGME1 protein (p.Leu160Val). This variant is not present in population databases (gnomAD no frequency). This variant has not been reported in the literature in individuals affected with MGME1-related conditions. Algorithms developed to predict the effect of missense changes on protein structure and function are either unavailable or do not agree on the potential impact of this missense change (SIFT: "Deleterious"; PolyPhen-2: "Probably Damaging"; Align-GVGD: "Class C0"). In summary, the available evidence is currently insufficient to determine the role of this variant in disease. Therefore, it has been classified as a Variant of Uncertain Significance.

NM_052865.4(MGME1):c.478C>G (p.Leu160Val)

Genes: MGME1 (mitochondrial genome maintenance exonuclease 1; plus strand), LOC126862983 (CDK7 strongly-dependent group 2 enhancer GRCh37_chr20:17950167-17951366; plus strand). Cytogenetic location: 20p11.23.
Variant type: single nucleotide variant.
Coding change: c.478C>G on transcript NM_052865.4 (MANE Select); coding-DNA position 478, C replaced by G.
Protein change: p.Leu160Val; replaces leucine 160 with valine.
Molecular consequence: missense variant. On other transcripts: intron variant (1).
Genome position (GRCh38, 1-based): chr20:17,970,337, C>G. VCF-style: chr20-17970337-C-G. GRCh37 (hg19) VCF-style: chr20-17950980-C-G.
Other names: c.478C>G, p.Leu160Val (NM_001310338.2, NM_001310339.2); c.271+207C>G (NM_001363738.2); short protein forms L160V.
Identifiers: ClinVar variation 1947907 (VCV001947907.2), dbSNP rs2515225728, ClinGen allele CA408339560.
Genomic context (GRCh38, chr20:17,970,337, plus strand): 5'-ACCATGACAAAACAACAGGTTTTCTTGTTGGAGAGGTGGAAACAGCGGATGATTCTGGAA[C>G]TGGGAGAAGATGGCTTTAAAGAATACACTTCAAGTAATTATCTCAATTCTGATTCTATAT-3'
Protein context (NP_443097.1, residues 150-170): ERWKQRMILE[Leu160Val]GEDGFKEYTS